The following is an entry in ClinVar:

ClinVar aggregate classification (germline): Uncertain significance (1 of 4 stars; one submission).

Allele frequency attached by ClinVar (database versions not stated): TOPMed below 0.00001.
gnomAD v4.1: 2 of 1,613,880 alleles (0.00012%); highest among the groups gnomAD compares: Non-Finnish European, 0.00017%; no homozygotes.

Submission:

Laboratorio de Genetica e Diagnostico Molecular, Hospital Israelita Albert Einstein
Classification: Uncertain significance. Last evaluated: 2021-06-17. Review status: criteria provided, single submitter. Criteria: ACMG Guidelines, 2015. Collection method: clinical testing. Allele origin: germline. Affected: yes.
Comment: ACMG classification criteria: PM2

NM_000093.5(COL5A1):c.787-14C>T

Gene: COL5A1 (collagen type V alpha 1 chain; plus strand). Cytogenetic location: 9q34.3.
Variant type: single nucleotide variant.
Coding change: c.787-14C>T on transcript NM_000093.5 (MANE Select); 14 bases into the intron before coding-DNA position 787, C replaced by T.
Molecular consequence: intron variant.
Genome position (GRCh38, 1-based): chr9:134,728,656, C>T. VCF-style: chr9-134728656-C-T. GRCh37 (hg19) VCF-style: chr9-137620502-C-T.
Other names: c.787-14C>T (NM_001278074.1).
Identifiers: ClinVar variation 1690393 (VCV001690393.2), dbSNP rs765476815, ClinGen allele CA467663264.